The following is an entry in ClinVar:

ClinVar aggregate classification (germline): Uncertain significance (1 of 4 stars; one submission).

Conditions:
Neonatal-onset encephalopathy with rigidity and seizures. Also called: Lethal neonatal spasticity-epileptic encephalopathy syndrome. Identifiers: Orphanet 435845, MedGen C3281029, MONDO:0013784, OMIM 614498.

Submission:

Labcorp Genetics (formerly Invitae), Labcorp
Classification: Uncertain significance for Neonatal-onset encephalopathy with rigidity and seizures. Last evaluated: 2022-08-23. Review status: criteria provided, single submitter. Criteria: Invitae Variant Classification Sherloc (09022015). Collection method: clinical testing. Allele origin: germline.
Comment: This variant, c.1359_1361del, results in the deletion of 1 amino acid(s) of the BRAT1 protein (p.Leu454del), but otherwise preserves the integrity of the reading frame. This variant is present in population databases (rs758601109, gnomAD 0.008%). This variant has been observed in individual(s) with clinical features of BRAT1-related conditions (PMID: 31868227). Experimental studies and prediction algorithms are not available or were not evaluated, and the functional significance of this variant is currently unknown. In summary, the available evidence is currently insufficient to determine the role of this variant in disease. Therefore, it has been classified as a Variant of Uncertain Significance.

Literature cited by the submitters: PubMed 31868227.

NM_152743.4(BRAT1):c.1356CCT[1] (p.Leu454del)

Gene: BRAT1 (BRCA1 associated ATM activator 1; minus strand). Cytogenetic location: 7p22.3.
Variant type: Microsatellite.
Coding change: c.1356CCT[1] on transcript NM_152743.4 (MANE Select); one copy of the 3-base unit CCT starting at c.1356; the reference has two copies in a row; one copy, 3 bases deleted.
Protein change: p.Leu454del; deletes leucine 454.
Molecular consequence: inframe deletion. On other transcripts: non-coding transcript variant (1).
Genome position (GRCh38, 1-based): chr7:2,541,013-2,541,015, AGG deleted on the plus strand (CCT on the coding strand, the reverse complement: BRAT1 is on the minus strand); deleting any 3 consecutive bases within chr7:2,541,013-2,541,019 gives the same sequence; the position shown is the placement nearest the transcript's 3' end. VCF-style (leftmost placement, unchanged base first): chr7-2541012-CAGG-C. GRCh37 (hg19) VCF-style: chr7-2580646-CAGG-C.
Other names: c.1356CCT[1], p.Leu454del (NM_001350626.2); c.831CCT[1], p.Leu279del (NM_001350627.2); short protein forms L279del, L454del.
Identifiers: ClinVar variation 1509055 (VCV001509055.3), dbSNP rs758601109, ClinGen allele CA4127793.